The following is an entry in ClinVar:

ClinVar aggregate classification (germline): Likely benign. Review status: criteria provided, multiple submitters, no conflicts (2 of 4 stars). 3 submissions from 3 submitters: Likely benign (3). Last evaluated 2025-05-07.

Conditions:
RAI1-related disorder. Also called: RAI1-related condition.

Allele frequency attached by ClinVar (database versions not stated): ExAC 0.00001; gnomAD 0.00001; TOPMed 0.00001.
gnomAD v4.1: 7 of 1,613,810 alleles (0.00043%); highest among the groups gnomAD compares: Admixed American, 0.0067%; no homozygotes.

Submissions (3):

Labcorp Genetics (formerly Invitae), Labcorp
Classification: Likely benign. Last evaluated: 2025-05-07. Review status: criteria provided, single submitter. Criteria: Invitae Variant Classification Sherloc (09022015). Collection method: clinical testing. Allele origin: germline.

PreventionGenetics, part of Exact Sciences
Classification: Likely benign for RAI1-related condition. Last evaluated: 2025-03-01. Review status: criteria provided, single submitter. Criteria: ACMG Guidelines, 2015. Collection method: clinical testing. Allele origin: germline.
Comment: This variant is classified as likely benign based on ACMG/AMP sequence variant interpretation guidelines (Richards et al. 2015 PMID: 25741868, with internal and published modifications).

Athena Diagnostics
Classification: Likely benign. Last evaluated: 2017-04-25. Review status: criteria provided, single submitter. Criteria: Athena Diagnostics Criteria. Collection method: clinical testing. Allele origin: germline.

NM_030665.4(RAI1):c.4681C>A (p.Arg1561=)

Gene: RAI1 (retinoic acid induced 1; plus strand). Cytogenetic location: 17p11.2.
Variant type: single nucleotide variant.
Coding change: c.4681C>A on transcript NM_030665.4 (MANE Select); coding-DNA position 4681, C replaced by A.
Protein change: p.Arg1561=; no amino-acid change (arginine 1561 retained).
Molecular consequence: synonymous variant.
Genome position (GRCh38, 1-based): chr17:17,797,629, C>A. VCF-style: chr17-17797629-C-A. GRCh37 (hg19) VCF-style: chr17-17700943-C-A.
Identifiers: ClinVar variation 448157 (VCV000448157.9), dbSNP rs750728463, ClinGen allele CA8419005.